The following is an entry in ClinVar:

ClinVar aggregate classification (germline): Uncertain significance (1 of 4 stars; one submission).

Allele frequency attached by ClinVar (database versions not stated): gnomAD exomes below 0.00001; gnomAD 0.00001.
gnomAD v4.1: 2 of 1,612,708 alleles (0.00012%); highest among the groups gnomAD compares: Admixed American, 0.0033%; no homozygotes.

Submission:

Labcorp Genetics (formerly Invitae), Labcorp
Classification: Uncertain significance. Last evaluated: 2025-02-17. Review status: criteria provided, single submitter. Criteria: Invitae Variant Classification Sherloc (09022015). Collection method: clinical testing. Allele origin: germline.
Comment: This sequence change falls in intron 5 of the TBC1D20 gene. It does not directly change the encoded amino acid sequence of the TBC1D20 protein. It affects a nucleotide within the consensus splice site. This variant is present in population databases (no rsID available, gnomAD 0.1%). This variant has not been reported in the literature in individuals affected with TBC1D20-related conditions. ClinVar contains an entry for this variant (Variation ID: 1916145). Variants that disrupt the consensus splice site are a relatively common cause of aberrant splicing (PMID: 17576681, 9536098). Algorithms developed to predict the effect of sequence changes on RNA splicing suggest that this variant is not likely to affect RNA splicing. In summary, the available evidence is currently insufficient to determine the role of this variant in disease. Therefore, it has been classified as a Variant of Uncertain Significance.

Literature cited by the submitters: PubMed 17576681; PubMed 9536098.

NM_144628.4(TBC1D20):c.626+6T>C

Gene: TBC1D20 (TBC1 domain family member 20; minus strand). Cytogenetic location: 20p13.
Variant type: single nucleotide variant.
Coding change: c.626+6T>C on transcript NM_144628.4 (MANE Select); 6 bases into the intron after coding-DNA position 626, T replaced by C.
Molecular consequence: intron variant.
Genome position (GRCh38, 1-based): chr20:441,582, A>G on the plus strand (T>C on the coding strand, the complement: TBC1D20 is on the minus strand). VCF-style: chr20-441582-A-G. GRCh37 (hg19) VCF-style: chr20-422226-A-G.
Identifiers: ClinVar variation 1916145 (VCV001916145.5), dbSNP rs1222164723, ClinGen allele CA634071799.